The following is an entry in ClinVar:

ClinVar aggregate classification (germline): Uncertain significance (1 of 4 stars; one submission).

Conditions:
Mitochondrial hypertrophic cardiomyopathy with lactic acidosis due to MTO1 deficiency. Also called: CARDIOMYOPATHY, INFANTILE HYPERTROPHIC MITOCHONDRIAL, AND LACTIC ACIDOSIS; Combined oxidative phosphorylation deficiency 10. Identifiers: Orphanet 314637, MedGen C4749921, MONDO:0013865, OMIM 614702.

Submission:

Labcorp Genetics (formerly Invitae), Labcorp
Classification: Uncertain significance for Mitochondrial hypertrophic cardiomyopathy with lactic acidosis due to MTO1 deficiency. Last evaluated: 2023-07-17. Review status: criteria provided, single submitter. Criteria: Invitae Variant Classification Sherloc (09022015). Collection method: clinical testing. Allele origin: germline.
Comment: This sequence change falls in intron 1 of the MTO1 gene. It does not directly change the encoded amino acid sequence of the MTO1 protein. This variant is not present in population databases (gnomAD no frequency). This variant has not been reported in the literature in individuals affected with MTO1-related conditions. Algorithms developed to predict the effect of sequence changes on RNA splicing suggest that this variant may disrupt the consensus splice site. In summary, the available evidence is currently insufficient to determine the role of this variant in disease. Therefore, it has been classified as a Variant of Uncertain Significance.

NM_012123.4(MTO1):c.218-16_218-15insA

Gene: MTO1 (mitochondrial tRNA translation optimization 1; plus strand). Cytogenetic location: 6q13.
Variant type: Insertion.
Coding change: c.218-16_218-15insA on transcript NM_012123.4 (MANE Select); 16 bases into the intron before coding-DNA position 218 through 15 bases into the intron before coding-DNA position 218, A inserted.
Molecular consequence: intron variant.
Genome position: GRCh38 VCF-style: chr6-73466193-T-TA. GRCh37 (hg19) VCF-style: chr6-74175916-T-TA.
Other names: c.218-16_218-15insA (NM_133645.3, NM_001123226.2).
Identifiers: ClinVar variation 2744346 (VCV002744346.3), dbSNP rs2533244752, ClinGen allele CA2697553560.